The following is an entry in ClinVar:

ClinVar aggregate classification (germline): Benign (0 of 4 stars; one submission).

Conditions:
QRICH2-related disorder. Also called: QRICH2-related condition.

Allele frequency attached by ClinVar (database versions not stated): 1000 Genomes Project 30x 0.00734; 1000 Genomes Project 0.00739; ExAC 0.01599; gnomAD 0.01710; TOPMed 0.01798; ESP Exome Variant Server 0.02130.
gnomAD v4.1: 42,041 of 1,614,120 alleles (2.6%); highest among the groups gnomAD compares: Non-Finnish European, 3.2%; 669 homozygotes.

Submission:

PreventionGenetics, part of Exact Sciences
Classification: Benign for QRICH2-related condition. Last evaluated: 2019-05-15. Review status: no assertion criteria provided. Collection method: clinical testing. Allele origin: germline.
Comment: This variant is classified as benign based on ACMG/AMP sequence variant interpretation guidelines (Richards et al. 2015 PMID: 25741868, with internal and published modifications).

NM_001388453.1(QRICH2):c.800C>A (p.Pro267Gln)

Gene: QRICH2 (glutamine rich 2; minus strand). Cytogenetic location: 17q25.1.
Variant type: single nucleotide variant.
Coding change: c.800C>A on transcript NM_001388453.1 (MANE Select); coding-DNA position 800, C replaced by A.
Protein change: p.Pro267Gln; replaces proline 267 with glutamine.
Molecular consequence: missense variant.
Genome position (GRCh38, 1-based): chr17:76,293,927, G>T on the plus strand (C>A on the coding strand, the complement: QRICH2 is on the minus strand). VCF-style: chr17-76293927-G-T. GRCh37 (hg19) VCF-style: chr17-74290008-G-T.
Other names: c.800C>A, p.Pro267Gln (NM_032134.3); short protein forms P267Q.
Identifiers: ClinVar variation 3060093 (VCV003060093.2), dbSNP rs62621822, ClinGen allele CA8784418.